The following is an entry in ClinVar:

NM_003482.4(KMT2D):c.6354_6356del (p.Ala2121del)

Gene: KMT2D (lysine methyltransferase 2D; minus strand). Cytogenetic location: 12q13.12.
Variant type: Deletion.
Coding change: c.6354_6356del on transcript NM_003482.4 (MANE Select); coding-DNA positions 6354 to 6356, 3 bases deleted (CGC; older notation c.6354_6356delCGC).
Protein change: p.Ala2121del; deletes alanine 2121.
Molecular consequence: inframe deletion.
Genome position (GRCh38, 1-based): chr12:49,041,414-49,041,416, GCG deleted on the plus strand (CGC on the coding strand, the reverse complement: KMT2D is on the minus strand); deleting any 3 consecutive bases within chr12:49,041,414-49,041,417 gives the same sequence; the c. name uses the placement nearest the transcript's 3' end. VCF-style (leftmost placement, unchanged base first): chr12-49041413-AGCG-A. GRCh37 (hg19) VCF-style: chr12-49435196-AGCG-A.
Other names: short protein forms A2121del.
Identifiers: ClinVar variation 1515877 (VCV001515877.8), dbSNP rs1943522645, ClinGen allele CA2034947004.

ClinVar aggregate classification (germline): Uncertain significance (1 of 4 stars; one submission).

Conditions:
Kabuki syndrome. Also called: Kabuki make-up syndrome; NIIKAWA-KUROKI SYNDROME. Identifiers: Orphanet 2322, MedGen C0796004, MONDO:0016512.

Submission:

Labcorp Genetics (formerly Invitae), Labcorp
Classification: Uncertain significance for Kabuki syndrome. Last evaluated: 2021-03-10. Review status: criteria provided, single submitter. Criteria: Invitae Variant Classification Sherloc (09022015). Collection method: clinical testing. Allele origin: germline.
Comment: This variant, c.6354_6356del, results in the deletion of 1 amino acid(s) of the KMT2D protein (p.Ala2121del), but otherwise preserves the integrity of the reading frame. This variant is not present in population databases (ExAC no frequency). This variant has not been reported in the literature in individuals with KMT2D-related conditions. Experimental studies and prediction algorithms are not available or were not evaluated, and the functional significance of this variant is currently unknown. In summary, the available evidence is currently insufficient to determine the role of this variant in disease. Therefore, it has been classified as a Variant of Uncertain Significance.